The following is an entry in ClinVar:

NM_014003.4(DHX38):c.3209G>A (p.Arg1070Lys)

Genes: DHX38 (DEAH-box helicase 38; plus strand), LOC126862391 (CDK7 strongly-dependent group 2 enhancer GRCh37_chr16:72141414-72142613; plus strand). Cytogenetic location: 16q22.2.
Variant type: single nucleotide variant.
Coding change: c.3209G>A on transcript NM_014003.4 (MANE Select); coding-DNA position 3209, G replaced by A.
Protein change: p.Arg1070Lys; replaces arginine 1070 with lysine.
Molecular consequence: missense variant.
Genome position (GRCh38, 1-based): chr16:72,108,561, G>A. VCF-style: chr16-72108561-G-A. GRCh37 (hg19) VCF-style: chr16-72142460-G-A.
Other names: short protein forms R1070K.
Identifiers: ClinVar variation 1713969 (VCV001713969.6), dbSNP rs1488196564, ClinGen allele CA396716292.

ClinVar aggregate classification (germline): Uncertain significance (1 of 4 stars; one submission).

Allele frequency attached by ClinVar (database versions not stated): gnomAD 0.00001; TOPMed 0.00001.

Submission:

Labcorp Genetics (formerly Invitae), Labcorp
Classification: Uncertain significance. Last evaluated: 2022-07-27. Review status: criteria provided, single submitter. Criteria: Invitae Variant Classification Sherloc (09022015). Collection method: clinical testing. Allele origin: germline.
Comment: In summary, the available evidence is currently insufficient to determine the role of this variant in disease. Therefore, it has been classified as a Variant of Uncertain Significance. Algorithms developed to predict the effect of missense changes on protein structure and function (SIFT, PolyPhen-2, Align-GVGD) all suggest that this variant is likely to be disruptive. This variant has not been reported in the literature in individuals affected with DHX38-related conditions. This variant is not present in population databases (gnomAD no frequency). This sequence change replaces arginine, which is basic and polar, with lysine, which is basic and polar, at codon 1070 of the DHX38 protein (p.Arg1070Lys).